The following is an entry in ClinVar:

ClinVar aggregate classification (germline): Pathogenic (1 of 4 stars; one submission).

Submission:

Labcorp Genetics (formerly Invitae), Labcorp
Classification: Pathogenic. Last evaluated: 2020-10-28. Review status: criteria provided, single submitter. Criteria: Invitae Variant Classification Sherloc (09022015). Collection method: clinical testing. Allele origin: germline.
Comment: For these reasons, this variant has been classified as Pathogenic. This variant disrupts the triple helix domain of COL4A5. Glycine residues within the Gly-Xaa-Yaa repeats of the triple helix domain are required for the structure and stability of fibrillar collagens (PMID: 7695699, 8218237, 19344236). In COL4A5, missense variants at these glycine residues are significantly enriched in individuals with disease (PMID: 23720012, 27627812) compared to the general population (ExAC). Similar deletions been observed in individual(s) with clinical features of Alport syndrome (PMID: 10094548, 12105244). This variant is a gross deletion of the genomic region encompassing exon(s) 2-51 of the COL4A5 gene. The 5' boundary is likely confined to intron 1. The 3' end of this event is unknown as it extends through the termination codon beyond the assayed region for this gene and may encompass additional genes. While this deletion is not anticipated to lead to nonsense mediated decay, it is expected to alter mRNA translation or result in a truncated protein product.

Literature cited by the submitters: PubMed 7695699; PubMed 8218237; PubMed 19344236; PubMed 23720012; PubMed 27627812; PubMed 10094548; PubMed 12105244.

NC_000023.10:g.(?_107782956)_(107979574_?)del

Genes: COL4A5 (collagen type IV alpha 5 chain; plus strand), IRS4 (insulin receptor substrate 4; minus strand). Cytogenetic location: Xq22.3.
Variant type: Deletion.
Identifiers: ClinVar variation 1452489 (VCV001452489.6).